The following is an entry in ClinVar:

NM_032888.4(COL27A1):c.2367G>A (p.Pro789=)

Gene: COL27A1 (collagen type XXVII alpha 1 chain; plus strand). Cytogenetic location: 9q32.
Variant type: single nucleotide variant.
Coding change: c.2367G>A on transcript NM_032888.4 (MANE Select); coding-DNA position 2367, G replaced by A.
Protein change: p.Pro789=; no amino-acid change (proline 789 retained).
Molecular consequence: synonymous variant.
Genome position (GRCh38, 1-based): chr9:114,211,026, G>A. VCF-style: chr9-114211026-G-A. GRCh37 (hg19) VCF-style: chr9-116973306-G-A.
Other names: c.2367G>A (NM_032888.3).
Identifiers: ClinVar variation 1347444 (VCV001347444.6), dbSNP rs1830319943, ClinGen allele CA466777027.

ClinVar aggregate classification (germline): Likely pathogenic. Review status: criteria provided, multiple submitters, no conflicts (2 of 4 stars). 2 submissions from 2 submitters: Likely pathogenic (2). Last evaluated 2023-06-29.

Conditions:
Steel syndrome (STLS). Identifiers: Orphanet 438117, MedGen C3554594, MONDO:0014061, OMIM 615155.

Allele frequency attached by ClinVar (database versions not stated): gnomAD exomes below 0.00001.
gnomAD v4.1: 3 of 1,614,174 alleles (0.00019%); highest among the groups gnomAD compares: Non-Finnish European, 0.00025%; no homozygotes.

Submissions (2):

Women's Health and Genetics/Laboratory Corporation of America, LabCorp
Classification: Likely pathogenic for Steel syndrome. Last evaluated: 2023-06-29. Review status: criteria provided, single submitter. Criteria: LabCorp Variant Classification Summary - May 2015. Collection method: clinical testing. Allele origin: germline.
Comment: Variant summary: COL27A1 c.2367G>A (p.Pro789Pro) alters a conserved nucleotide located close to a canonical splice site and therefore could affect mRNA splicing, leading to a significantly altered protein sequence. Several computational tools predict a significant impact on normal splicing: Four predict the variant abolishes the canonical 5' splicing donor site. At least one publication reports experimental evidence that this variant affects mRNA size (Satoh_2021). The variant was absent in 251430 control chromosomes (gnomAD). c.2367G>A has been reported in the literature in individuals affected with Steel syndrome (example: Satoh_2021). These data indicate that the variant may be associated with disease. The following publication has been ascertained in the context of this evaluation (PMID: 33359165). One submitter has cited clinical-significance assessments for this variant to ClinVar after 2014 and has classified the variant as likely pathogenic. Based on the evidence outlined above, the variant was classified as likely pathogenic.

Labcorp Genetics (formerly Invitae), Labcorp
Classification: Likely pathogenic. Last evaluated: 2023-06-09. Review status: criteria provided, single submitter. Criteria: Invitae Variant Classification Sherloc (09022015). Collection method: clinical testing. Allele origin: germline.
Comment: This sequence change affects codon 789 of the COL27A1 mRNA. It is a 'silent' change, meaning that it does not change the encoded amino acid sequence of the COL27A1 protein. This variant also falls at the last nucleotide of exon 12, which is part of the consensus splice site for this exon. This variant is not present in population databases (gnomAD no frequency). This variant has been observed in individual(s) with Steel syndrome (PMID: 33359165). In at least one individual the data is consistent with being in trans (on the opposite chromosome) from a pathogenic variant. It has also been observed to segregate with disease in related individuals. ClinVar contains an entry for this variant (Variation ID: 1347444). Variants that disrupt the consensus splice site are a relatively common cause of aberrant splicing (PMID: 17576681, 9536098). Algorithms developed to predict the effect of sequence changes on RNA splicing suggest that this variant may disrupt the consensus splice site. In summary, the currently available evidence indicates that the variant is pathogenic, but additional data are needed to prove that conclusively. Therefore, this variant has been classified as Likely Pathogenic.

Literature cited by the submitters: PubMed 33359165 (cited by Women's Health and Genetics/Laboratory Corporation of America, LabCorp and Labcorp Genetics (formerly Invitae), Labcorp); PubMed 17576681 (cited by Labcorp Genetics (formerly Invitae), Labcorp); PubMed 9536098 (cited by Labcorp Genetics (formerly Invitae), Labcorp).